The following is an entry in ClinVar:

ClinVar aggregate classification (germline): Uncertain significance. Review status: criteria provided, multiple submitters, no conflicts (2 of 4 stars). 2 submissions from 2 submitters: Uncertain significance (2). Last evaluated 2025-04-09.

Conditions:
Inborn genetic diseases. Identifiers: MedGen C0950123, MeSH D030342.
Curry-Hall syndrome (WAD). Also called: WEYERS ACRODENTAL DYSOSTOSIS. Identifiers: Orphanet 952, MedGen C0457013, MONDO:0008673, OMIM 193530.
Ellis-van Creveld syndrome (EVC). Also called: EVC-Related Ellis-van Creveld Syndrome; EVC2-Related Ellis-van Creveld Syndrome; Chondroectodermal dysplasia; MESOECTODERMAL DYSPLASIA. Identifiers: Orphanet 289, MedGen C0013903, MONDO:0009162, OMIM 225500.

Allele frequency attached by ClinVar (database versions not stated): gnomAD 0.00004 and 0.00007; gnomAD exomes 0.00004; TOPMed 0.00005; ESP Exome Variant Server 0.00008; ExAC 0.00009; 1000 Genomes Project 0.00040; 1000 Genomes Project 30x 0.00047.
gnomAD v4.1: 38 of 1,593,106 alleles (0.0024%); highest among the groups gnomAD compares: African/African-American, 0.008%; no homozygotes.

Submissions (2):

Ambry Genetics
Classification: Uncertain significance for Inborn genetic diseases. Last evaluated: 2025-04-09. Review status: criteria provided, single submitter. Criteria: Ambry Variant Classification Scheme 2023. Collection method: clinical testing. Allele origin: germline.

Labcorp Genetics (formerly Invitae), Labcorp
Classification: Uncertain significance for Curry-Hall syndrome; Ellis-van Creveld syndrome. Last evaluated: 2024-10-23. Review status: criteria provided, single submitter. Criteria: Invitae Variant Classification Sherloc (09022015). Collection method: clinical testing. Allele origin: germline.
Comment: This sequence change replaces serine, which is neutral and polar, with leucine, which is neutral and non-polar, at codon 1161 of the EVC2 protein (p.Ser1161Leu). This variant is present in population databases (rs145071652, gnomAD 0.01%). This variant has not been reported in the literature in individuals affected with EVC2-related conditions. ClinVar contains an entry for this variant (Variation ID: 1391565). An algorithm developed to predict the effect of missense changes on protein structure and function outputs the following: PolyPhen-2: "Benign". The leucine amino acid residue is found in multiple mammalian species, which suggests that this missense change does not adversely affect protein function. In summary, the available evidence is currently insufficient to determine the role of this variant in disease. Therefore, it has been classified as a Variant of Uncertain Significance.

NM_147127.5(EVC2):c.3482C>T (p.Ser1161Leu)

Gene: EVC2 (EvC ciliary complex subunit 2; minus strand). Cytogenetic location: 4p16.2.
Variant type: single nucleotide variant.
Coding change: c.3482C>T on transcript NM_147127.5 (MANE Select); coding-DNA position 3482, C replaced by T.
Protein change: p.Ser1161Leu; replaces serine 1161 with leucine.
Molecular consequence: missense variant.
Genome position (GRCh38, 1-based): chr4:5,568,519, G>A on the plus strand (C>T on the coding strand, the complement: EVC2 is on the minus strand). VCF-style: chr4-5568519-G-A. GRCh37 (hg19) VCF-style: chr4-5570246-G-A.
Other names: c.3242C>T, p.Ser1081Leu (NM_001166136.2); c.3482C>T (NM_147127.4); short protein forms S1081L, S1161L.
Identifiers: ClinVar variation 1391565 (VCV001391565.7), dbSNP rs145071652, ClinGen allele CA2834305.